The following is an entry in ClinVar:

NM_019612.4(IRGC):c.357C>T (p.Gly119=)

Gene: IRGC (immunity related GTPase cinema; plus strand). Cytogenetic location: 19q13.31.
Variant type: single nucleotide variant.
Coding change: c.357C>T on transcript NM_019612.4 (MANE Select); coding-DNA position 357, C replaced by T.
Protein change: p.Gly119=; no amino-acid change (glycine 119 retained).
Molecular consequence: synonymous variant.
Genome position (GRCh38, 1-based): chr19:43,718,915, C>T. VCF-style: chr19-43718915-C-T. GRCh37 (hg19) VCF-style: chr19-44223067-C-T.
Identifiers: ClinVar variation 2650067 (VCV002650067.24), dbSNP rs139284118, ClinGen allele CA9490827.
Genomic context (GRCh38, chr19:43,718,915, plus strand): 5'-TCCACACCCACAGTTCCCTGACGTGACCCTCTGGGACCTGCCAGGAGCCGGCTCTCCAGG[C>T]TGCCCGGCTGACAAGTACCTAAAGCAGGTAGACTTCAGCCGCTATGACTTCTTCCTGCTG-3'
Protein context (NP_062558.1, residues 109-129): LWDLPGAGSP[Gly119=]CPADKYLKQV

ClinVar aggregate classification (germline): Likely benign (1 of 4 stars; one submission).

Allele frequency attached by ClinVar (database versions not stated): gnomAD exomes 0.00018; ExAC 0.00062; ESP Exome Variant Server 0.00169; gnomAD 0.00194; TOPMed 0.00227; 1000 Genomes Project 0.00260; 1000 Genomes Project 30x 0.00265.
gnomAD v4.1: 577 of 1,613,014 alleles (0.036%); highest among the groups gnomAD compares: African/African-American, 0.68%; 6 homozygotes.

Submission:

CeGaT Center for Human Genetics Tuebingen
Classification: Likely benign. Last evaluated: 2022-09-01. Review status: criteria provided, single submitter. Criteria: CeGaT Center For Human Genetics Tuebingen Variant Classification Criteria Version 2. Collection method: clinical testing. Allele origin: germline. Affected: yes. Observed: 1 variant allele.
Comment: IRGC: BP4, BP7